The following is an entry in ClinVar:

ClinVar aggregate classification (germline): Likely pathogenic (1 of 4 stars; one submission).

Conditions:
Autosomal recessive limb-girdle muscular dystrophy type 2J (LGMDR10). Also called: Limb-girdle muscular dystrophy, type 2J; MUSCULAR DYSTROPHY, LIMB-GIRDLE, AUTOSOMAL RECESSIVE 10. Identifiers: Orphanet 140922, MedGen C1837342, MONDO:0012127, OMIM 608807.
Dilated cardiomyopathy 1G (CMD1G). Identifiers: Orphanet 154, MedGen C1858763, MONDO:0011400, OMIM 604145.

Submission:

Labcorp Genetics (formerly Invitae), Labcorp
Classification: Likely pathogenic for Dilated cardiomyopathy 1G; Autosomal recessive limb-girdle muscular dystrophy type 2J. Last evaluated: 2025-07-23. Review status: criteria provided, single submitter. Criteria: Invitae Variant Classification Sherloc (09022015). Collection method: clinical testing. Allele origin: germline.
Comment: This sequence change affects a donor splice site in intron 305 of the TTN gene. It is expected to disrupt RNA splicing and likely results in a truncated or disrupted TTN protein. This variant is not present in population databases (gnomAD no frequency). This variant has not been reported in the literature in individuals affected with TTN-related conditions. Algorithms developed to predict the effect of sequence changes on RNA splicing suggest that this variant may disrupt the consensus splice site. This variant is located in the A band of TTN (PMID: 25589632). Truncating variants in this region are significantly overrepresented in patients affected with dilated cardiomyopathy (PMID: 25589632). Truncating variants in this region have also been reported in individuals affected with autosomal recessive centronuclear myopathy (PMID: 23975875). In summary, the currently available evidence indicates that the variant is pathogenic, but additional data are needed to prove that conclusively. Therefore, this variant has been classified as Likely Pathogenic.

Literature cited by the submitters: PubMed 25589632; PubMed 23975875.

NM_001267550.2(TTN):c.63508+1G>T

Genes: TTN-AS1 (TTN antisense RNA 1; plus strand), TTN (titin; minus strand). Cytogenetic location: 2q31.2.
Variant type: single nucleotide variant.
Coding change: c.63508+1G>T on transcript NM_001267550.2 (MANE Select); the canonical splice donor site of the intron after coding-DNA position 63508, G replaced by T.
Molecular consequence: splice donor variant.
Genome position (GRCh38, 1-based): chr2:178,587,898, C>A on the plus strand (G>T on the coding strand, the complement: TTN is on the minus strand). VCF-style: chr2-178587898-C-A. GRCh37 (hg19) VCF-style: chr2-179452625-C-A.
Other names: c.36313+1G>T (NM_003319.4); c.36889+1G>T (NM_133437.4); c.36688+1G>T (NM_133432.3); c.55804+1G>T (NM_133378.4); c.58585+1G>T (NM_001256850.1).
Identifiers: ClinVar variation 4785015 (VCV004785015.1).
Genomic context (GRCh38, chr2:178,587,898, plus strand): 5'-AATGTGGGGAAATCATAAGAAATTAAGTGTGAATGAATCACATGCTAAGGGAAGGACTTA[C>A]CTAGTATTTCTTTAGGTTTGATAGCTTCCTTTAGCTCTGCAGGGCGCCCAATACCAACTT-3'